The following is an entry in ClinVar:

ClinVar aggregate classification (germline): Uncertain significance. Review status: criteria provided, multiple submitters, no conflicts (2 of 4 stars). 3 submissions from 3 submitters: Uncertain significance (3). Last evaluated 2025-11-17.

Conditions:
Hereditary cancer-predisposing syndrome. Also called: Neoplastic Syndromes, Hereditary; Tumor predisposition; Hereditary Cancer Syndrome; Hereditary neoplastic syndrome. Identifiers: Orphanet 140162, MedGen C0027672, MeSH D009386, MONDO:0015356.
Familial adenomatous polyposis 1 (FAP1). Also called: FAMILIAL ADENOMATOUS POLYPOSIS 1, ATTENUATED; POLYPOSIS, ADENOMATOUS INTESTINAL. Identifiers: MedGen C2713442, MONDO:0021056, OMIM 175100. Disease mechanism: loss of function.

Allele frequency attached by ClinVar (database versions not stated): gnomAD exomes below 0.00001; TOPMed below 0.00001; gnomAD 0.00001.
gnomAD v4.1: 2 of 1,613,952 alleles (0.00012%); highest among the groups gnomAD compares: Non-Finnish European, 0.00017%; no homozygotes.

Submissions (3):

Labcorp Genetics (formerly Invitae), Labcorp
Classification: Uncertain significance for Familial adenomatous polyposis 1. Last evaluated: 2025-11-17. Review status: criteria provided, single submitter. Criteria: Invitae Variant Classification Sherloc (09022015). Collection method: clinical testing. Allele origin: germline.
Comment: This sequence change replaces proline, which is neutral and non-polar, with serine, which is neutral and polar, at codon 1483 of the APC protein (p.Pro1483Ser). This variant is not present in population databases (gnomAD no frequency). This variant has not been reported in the literature in individuals affected with APC-related conditions. ClinVar contains an entry for this variant (Variation ID: 141611). Invitae Evidence Modeling of protein sequence and biophysical properties (such as structural, functional, and spatial information, amino acid conservation, physicochemical variation, residue mobility, and thermodynamic stability) indicates that this missense variant is not expected to disrupt APC protein function with a negative predictive value of 95%. In summary, the available evidence is currently insufficient to determine the role of this variant in disease. Therefore, it has been classified as a Variant of Uncertain Significance.

Color Diagnostics, LLC DBA Color Health
Classification: Uncertain significance for Hereditary cancer-predisposing syndrome. Last evaluated: 2025-09-11. Review status: criteria provided, single submitter. Criteria: ACMG Guidelines, 2015. Collection method: clinical testing. Allele origin: germline.
Comment: This missense variant replaces proline with serine at codon 1483 of the APC protein. Computational prediction suggests that this variant may not impact protein structure and function. APC is defined as a gene for which primarily truncating variants are known to cause disease (ClinGen HCCP VCEP). To our knowledge, functional studies have not been reported for this variant. This variant has not been reported in individuals affected with APC-related disorders in the literature. This variant has not been identified in the general population by the Genome Aggregation Database (gnomAD). The available evidence is insufficient to determine the role of this variant in disease conclusively. Therefore, this variant is classified as a Variant of Uncertain Significance.

Ambry Genetics
Classification: Uncertain significance for Hereditary cancer-predisposing syndrome. Last evaluated: 2025-06-15. Review status: criteria provided, single submitter. Criteria: Ambry Variant Classification Scheme 2023. Collection method: clinical testing. Allele origin: germline.
Comment: The p.P1483S variant (also known as c.4447C>T), located in coding exon 15 of the APC gene, results from a C to T substitution at nucleotide position 4447. The proline at codon 1483 is replaced by serine, an amino acid with similar properties. This amino acid position is well conserved in available vertebrate species. In addition, in silico predictors for this gene do not accurately predict pathogenicity. Since supporting evidence is limited at this time, the clinical significance of this alteration remains unclear.

NM_000038.6(APC):c.4447C>T (p.Pro1483Ser)

Gene: APC (APC regulator of Wnt signaling pathway; plus strand). Cytogenetic location: 5q22.2.
Variant type: single nucleotide variant.
Coding change: c.4447C>T on transcript NM_000038.6 (MANE Select); coding-DNA position 4447, C replaced by T.
Protein change: p.Pro1483Ser; replaces proline 1483 with serine.
Molecular consequence: missense variant.
Genome position (GRCh38, 1-based): chr5:112,840,041, C>T. VCF-style: chr5-112840041-C-T. GRCh37 (hg19) VCF-style: chr5-112175738-C-T.
Other names: c.4447C>T, p.Pro1483Ser (NM_001127510.3, NM_001354895.2); c.4393C>T, p.Pro1465Ser (NM_001127511.3); c.4501C>T, p.Pro1501Ser (NM_001354896.2); c.4477C>T, p.Pro1493Ser (NM_001354897.2); c.4372C>T, p.Pro1458Ser (NM_001354898.2); c.4363C>T, p.Pro1455Ser (NM_001354899.2); c.4324C>T, p.Pro1442Ser (NM_001354900.2); c.4270C>T, p.Pro1424Ser (NM_001354901.2); and 5 more; short protein forms P1465S, P1483S, P1323S, P1382S, P1493S, P1501S, P1442S, P1200S.
Identifiers: ClinVar variation 141611 (VCV000141611.15), dbSNP rs587781877, ClinGen allele CA009554.
Genomic context (GRCh38, chr5:112,840,041, plus strand): 5'-AGAGAGAGTGGACCTAAGCAAGCTGCAGTAAATGCTGCAGTTCAGAGGGTCCAGGTTCTT[C>T]CAGATGCTGATACTTTATTACATTTTGCCACGGAAAGTACTCCAGATGGATTTTCTTGTT-3'
Protein context (NP_000029.2, residues 1473-1493): NAAVQRVQVL[Pro1483Ser]DADTLLHFAT